The following is an entry in ClinVar:

NM_005138.3(SCO2):c.737C>T (p.Ser246Leu)

Genes: NCAPH2 (non-SMC condensin II complex subunit H2; plus strand), SCO2 (synthesis of cytochrome C oxidase 2; minus strand). Cytogenetic location: 22q13.33.
Variant type: single nucleotide variant.
Coding change: c.737C>T on transcript NM_005138.3 (MANE Select); coding-DNA position 737, C replaced by T.
Protein change: p.Ser246Leu; replaces serine 246 with leucine.
Molecular consequence: missense variant. On other transcripts: 3 prime UTR variant (2).
Genome position (GRCh38, 1-based): chr22:50,523,675, G>A on the plus strand (C>T on the coding strand, the complement: SCO2 is on the minus strand). VCF-style: chr22-50523675-G-A. GRCh37 (hg19) VCF-style: chr22-50962104-G-A.
Other names: c.*300G>A (NM_001185011.2, NM_152299.4); c.737C>T, p.Ser246Leu (NM_001169109.2, NM_001169110.1, NM_001169111.2); short protein forms S246L.
Identifiers: ClinVar variation 2552664 (VCV002552664.3), dbSNP rs139003628, ClinGen allele CA10321126.

ClinVar aggregate classification (germline): Uncertain significance. Review status: criteria provided, multiple submitters, no conflicts (2 of 4 stars). 2 submissions from 2 submitters: Uncertain significance (2). Last evaluated 2023-05-30.

Conditions:
Inborn genetic diseases. Identifiers: MedGen C0950123, MeSH D030342.

Allele frequency attached by ClinVar (database versions not stated): ESP Exome Variant Server 0.00008.
gnomAD v4.1: 4 of 1,614,094 alleles (0.00025%); highest among the groups gnomAD compares: Non-Finnish European, 0.00017%; no homozygotes.

Submissions (2):

Ambry Genetics
Classification: Uncertain significance for Inborn genetic diseases. Last evaluated: 2023-05-30. Review status: criteria provided, single submitter. Criteria: Ambry Variant Classification Scheme 2023. Collection method: clinical testing. Allele origin: germline.

GeneDx
Classification: Uncertain significance. Last evaluated: 2023-05-23. Review status: criteria provided, single submitter. Criteria: GeneDx Variant Classification Process June 2021. Collection method: clinical testing. Allele origin: germline. Affected: yes.
Comment: Not observed at significant frequency in large population cohorts (gnomAD); In silico analysis supports that this missense variant has a deleterious effect on protein structure/function; Has not been previously published as pathogenic or benign to our knowledge